The following is an entry in ClinVar:

NM_003482.4(KMT2D):c.5788C>T (p.Leu1930Phe)

Gene: KMT2D (lysine methyltransferase 2D; minus strand). Cytogenetic location: 12q13.12.
Variant type: single nucleotide variant.
Coding change: c.5788C>T on transcript NM_003482.4 (MANE Select); coding-DNA position 5788, C replaced by T.
Protein change: p.Leu1930Phe; replaces leucine 1930 with phenylalanine.
Molecular consequence: missense variant.
Genome position (GRCh38, 1-based): chr12:49,042,640, G>A on the plus strand (C>T on the coding strand, the complement: KMT2D is on the minus strand). VCF-style: chr12-49042640-G-A. GRCh37 (hg19) VCF-style: chr12-49436423-G-A.
Other names: short protein forms L1930F.
Identifiers: ClinVar variation 3622597 (VCV003622597.4).

ClinVar aggregate classification (germline): Uncertain significance. Review status: criteria provided, multiple submitters, no conflicts (2 of 4 stars). 2 submissions from 2 submitters: Uncertain significance (2). Last evaluated 2025-09-01.

Conditions:
Choanal atresia-athelia-hypothyroidism-delayed puberty-short stature syndrome (BCAHH). Also called: BRANCHIAL ARCH ABNORMALITIES, CHOANAL ATRESIA, ATHELIA, HEARING LOSS, AND HYPOTHYROIDISM SYNDROME. Identifiers: Orphanet 589856, MedGen C5680310, MONDO:0035651, OMIM 620186.
Kabuki syndrome. Also called: NIIKAWA-KUROKI SYNDROME; Kabuki make-up syndrome. Identifiers: Orphanet 2322, MedGen C0796004, MONDO:0016512.

Submissions (2):

Dasa
Classification: Uncertain significance for Choanal atresia-athelia-hypothyroidism-delayed puberty-short stature syndrome. Last evaluated: 2025-09-01. Review status: criteria provided, single submitter. Criteria: DASA Assertion Criteria. Collection method: clinical testing. Allele origin: germline.
Comment: NM_003482.4(KMT2D):c.5788C>T (p.Leu1930Phe) is a missense variant that results in the substitution of leucine with phenylalanine. This variant is absent from population databases. The currently available literature and clinical evidence are not sufficient to establish a definitive association between this variant and the reported condition. Therefore, this variant is classified as a variant of uncertain significance.

Labcorp Genetics (formerly Invitae), Labcorp
Classification: Uncertain significance for Kabuki syndrome. Last evaluated: 2024-05-13. Review status: criteria provided, single submitter. Criteria: Invitae Variant Classification Sherloc (09022015). Collection method: clinical testing. Allele origin: germline.
Comment: This sequence change replaces leucine, which is neutral and non-polar, with phenylalanine, which is neutral and non-polar, at codon 1930 of the KMT2D protein (p.Leu1930Phe). This variant is not present in population databases (gnomAD no frequency). This variant has not been reported in the literature in individuals affected with KMT2D-related conditions. Advanced modeling of protein sequence and biophysical properties (such as structural, functional, and spatial information, amino acid conservation, physicochemical variation, residue mobility, and thermodynamic stability) has been performed at Invitae for this missense variant, however the output from this modeling did not meet the statistical confidence thresholds required to predict the impact of this variant on KMT2D protein function. In summary, the available evidence is currently insufficient to determine the role of this variant in disease. Therefore, it has been classified as a Variant of Uncertain Significance.